The following is an entry in ClinVar:

ClinVar aggregate classification (germline): Conflicting classifications of pathogenicity. Review status: criteria provided, conflicting classifications (1 of 4 stars). 2 submissions from 2 submitters: Uncertain significance (1); Likely benign (1). Last evaluated 2024-03-04.

Conditions:
Cardiovascular phenotype. Identifiers: MedGen CN230736.
Capillary malformation-arteriovenous malformation syndrome. Also called: Capillary malformation-arteriovenous malformation. Identifiers: Orphanet 137667, MedGen C1842180, MONDO:0012016.

Allele frequency attached by ClinVar (database versions not stated): gnomAD 0.00001; ExAC 0.00002; 1000 Genomes Project 30x 0.00016; gnomAD exomes below 0.00001; 1000 Genomes Project 0.00020.
gnomAD v4.1: 2 of 1,606,366 alleles (0.00012%); highest among the groups gnomAD compares: East Asian, 0.0022%; no homozygotes.

Submissions (2):

Labcorp Genetics (formerly Invitae), Labcorp
Classification: Uncertain significance for Capillary malformation-arteriovenous malformation syndrome. Last evaluated: 2024-03-04. Review status: criteria provided, single submitter. Criteria: Invitae Variant Classification Sherloc (09022015). Collection method: clinical testing. Allele origin: germline.
Comment: This sequence change replaces isoleucine, which is neutral and non-polar, with valine, which is neutral and non-polar, at codon 232 of the RASA1 protein (p.Ile232Val). This variant is present in population databases (rs201997632, gnomAD 0.006%). This variant has not been reported in the literature in individuals affected with RASA1-related conditions. An algorithm developed to predict the effect of missense changes on protein structure and function (PolyPhen-2) suggests that this variant is likely to be tolerated. In summary, the available evidence is currently insufficient to determine the role of this variant in disease. Therefore, it has been classified as a Variant of Uncertain Significance.

Ambry Genetics
Classification: Likely benign for Cardiovascular phenotype. Last evaluated: 2023-11-01. Review status: criteria provided, single submitter. Criteria: Ambry Variant Classification Scheme 2023. Collection method: clinical testing. Allele origin: germline.

NM_002890.3(RASA1):c.694A>G (p.Ile232Val)

Genes: CCNH (cyclin H; minus strand), RASA1 (RAS p21 protein activator 1; plus strand). Cytogenetic location: 5q14.3.
Variant type: single nucleotide variant.
Coding change: c.694A>G on transcript NM_002890.3 (MANE Select); coding-DNA position 694, A replaced by G.
Protein change: p.Ile232Val; replaces isoleucine 232 with valine.
Molecular consequence: missense variant. On other transcripts: intron variant (1).
Genome position (GRCh38, 1-based): chr5:87,332,508, A>G. VCF-style: chr5-87332508-A-G. GRCh37 (hg19) VCF-style: chr5-86628325-A-G.
Other names: c.163A>G, p.Ile55Val (NM_022650.3); c.934-19713T>C (NM_001364075.2); short protein forms I55V, I232V.
Identifiers: ClinVar variation 2994520 (VCV002994520.4), dbSNP rs201997632, ClinGen allele CA3335549.
Genomic context (GRCh38, chr5:87,332,508, plus strand): 5'-TGATTTTTAAAATTGGCTGTAAAGATTTTTTTATACTGTATTTTTTCCTGTTCAAATAGG[A>G]TTATTGCTATGTGTGGAGATTACTACATTGGTGGAAGACGTTTTTCTTCACTGTCAGACC-3'
Protein context (NP_002881.1, residues 222-242): SQMNVVNHFR[Ile232Val]IAMCGDYYIG